The following is an entry in ClinVar:

NM_001204.7(BMPR2):c.2707A>G (p.Asn903Asp)

Gene: BMPR2 (bone morphogenetic protein receptor type 2; plus strand). Cytogenetic location: 2q33.2.
Variant type: single nucleotide variant.
Coding change: c.2707A>G on transcript NM_001204.7 (MANE Select); coding-DNA position 2707, A replaced by G.
Protein change: p.Asn903Asp; replaces asparagine 903 with aspartic acid.
Molecular consequence: missense variant.
Genome position (GRCh38, 1-based): chr2:202,556,372, A>G. VCF-style: chr2-202556372-A-G. GRCh37 (hg19) VCF-style: chr2-203421095-A-G.
Other names: short protein forms N903D.
Identifiers: ClinVar variation 4214470 (VCV004214470.1).

ClinVar aggregate classification (germline): Uncertain significance (1 of 4 stars; one submission).

Conditions:
Inborn genetic diseases. Identifiers: MedGen C0950123, MeSH D030342.

Submission:

Ambry Genetics
Classification: Uncertain significance for Inborn genetic diseases. Last evaluated: 2025-07-28. Review status: criteria provided, single submitter. Criteria: Ambry Variant Classification Scheme 2023. Collection method: clinical testing. Allele origin: germline.
Comment: The p.N903D variant (also known as c.2707A>G), located in coding exon 12 of the BMPR2 gene, results from an A to G substitution at nucleotide position 2707. The asparagine at codon 903 is replaced by aspartic acid, an amino acid with highly similar properties. This amino acid position is conserved. In addition, the in silico prediction for this alteration is inconclusive. Based on the available evidence, the clinical significance of this variant remains unclear.